The following is an entry in ClinVar:

ClinVar aggregate classification (germline): Uncertain significance (1 of 4 stars; one submission).

gnomAD v4.1: 1 of 1,612,714 alleles (0.000062%); highest among the groups gnomAD compares: East Asian, 0.0022%; no homozygotes.

Submission:

Labcorp Genetics (formerly Invitae), Labcorp
Classification: Uncertain significance. Last evaluated: 2022-07-06. Review status: criteria provided, single submitter. Criteria: Invitae Variant Classification Sherloc (09022015). Collection method: clinical testing. Allele origin: germline.
Comment: This sequence change replaces threonine, which is neutral and polar, with arginine, which is basic and polar, at codon 572 of the RFWD3 protein (p.Thr572Arg). This variant is not present in population databases (gnomAD no frequency). In summary, the available evidence is currently insufficient to determine the role of this variant in disease. Therefore, it has been classified as a Variant of Uncertain Significance. Algorithms developed to predict the effect of missense changes on protein structure and function are either unavailable or do not agree on the potential impact of this missense change (SIFT: "Deleterious"; PolyPhen-2: "Probably Damaging"; Align-GVGD: "Class C0"). This variant has not been reported in the literature in individuals affected with RFWD3-related conditions.

NM_018124.4(RFWD3):c.1715C>G (p.Thr572Arg)

Gene: RFWD3 (ring finger and WD repeat domain 3; minus strand). Cytogenetic location: 16q23.1.
Variant type: single nucleotide variant.
Coding change: c.1715C>G on transcript NM_018124.4 (MANE Select); coding-DNA position 1715, C replaced by G.
Protein change: p.Thr572Arg; replaces threonine 572 with arginine.
Molecular consequence: missense variant. On other transcripts: intron variant (1).
Genome position (GRCh38, 1-based): chr16:74,630,820, G>C on the plus strand (C>G on the coding strand, the complement: RFWD3 is on the minus strand). VCF-style: chr16-74630820-G-C. GRCh37 (hg19) VCF-style: chr16-74664718-G-C.
Other names: c.1715C>G, p.Thr572Arg (NM_001370534.1, NM_001370535.1); c.881C>G, p.Thr294Arg (NM_001370537.1, NM_001370539.1, NM_001370540.1 and 3 more transcripts); c.1577+1703C>G (NM_001370536.1); short protein forms T294R, T572R.
Identifiers: ClinVar variation 2004368 (VCV002004368.4), dbSNP rs558687934, ClinGen allele CA396760198.